The following is an entry in ClinVar:

ClinVar aggregate classification (germline): Likely benign. Review status: criteria provided, multiple submitters, no conflicts (2 of 4 stars). 5 submissions from 5 submitters: Likely benign (3). 2 of the submissions do not count toward it. Last evaluated 2026-08-01.

Conditions:
Ehlers-Danlos syndrome, kyphoscoliotic type 1 (EDSKSCL1). Also called: PLOD1-Related Kyphoscoliotic Ehlers-Danlos Syndrome; EHLERS-DANLOS SYNDROME, TYPE VIA; Ehlers-Danlos syndrome, hydroxylysine-deficient; EHLERS-DANLOS SYNDROME, OCULAR-SCOLIOTIC TYPE. Identifiers: Orphanet 1900, MedGen C0268342, MONDO:0016002, OMIM 225400. Disease mechanism: loss of function.
Familial thoracic aortic aneurysm and aortic dissection (TAAD). Also called: Thoracic aortic aneurysms and dissections. Identifiers: Orphanet 91387, MedGen C4707243, MONDO:0019625.

Allele frequency attached by ClinVar (database versions not stated): gnomAD exomes 0.00001 and 0.00002; ExAC 0.00002; TOPMed 0.00002; gnomAD 0.00005; ESP Exome Variant Server 0.00008.
gnomAD v4.1: 26 of 1,613,258 alleles (0.0016%); highest among the groups gnomAD compares: African/African-American, 0.0093%; no homozygotes.

Submissions (5):

CeGaT Center for Human Genetics Tuebingen
Classification: Likely benign. Last evaluated: 2026-08-01. Review status: criteria provided, single submitter. Criteria: CeGaT Center For Human Genetics Tuebingen Variant Classification Criteria Version 2. Collection method: clinical testing. Allele origin: germline. Affected: yes. Observed: 1 variant allele.
Comment: PLOD1: BP4, BP7

Labcorp Genetics (formerly Invitae), Labcorp
Classification: Likely benign for Ehlers-Danlos syndrome, kyphoscoliotic type 1. Last evaluated: 2025-11-17. Review status: criteria provided, single submitter. Criteria: Invitae Variant Classification Sherloc (09022015). Collection method: clinical testing. Allele origin: germline.

Ambry Genetics
Classification: Likely benign for Familial thoracic aortic aneurysm and aortic dissection. Last evaluated: 2021-05-20. Review status: criteria provided, single submitter. Criteria: Ambry Variant Classification Scheme 2023. Collection method: clinical testing. Allele origin: germline.

Clinical Genetics DNA and cytogenetics Diagnostics Lab, Erasmus MC, Erasmus Medical Center
Classification: Likely benign. Review status: no assertion criteria provided. Collection method: clinical testing. Allele origin: germline. Affected: yes. Study: VKGL Data-share Consensus. Not counted in ClinVar's aggregate classification.

Genome Diagnostics Laboratory, Amsterdam University Medical Center
Classification: Likely benign. Review status: no assertion criteria provided. Collection method: clinical testing. Allele origin: germline. Affected: yes. Study: VKGL Data-share Consensus. Not counted in ClinVar's aggregate classification.

NM_000302.4(PLOD1):c.1071G>A (p.Ala357=)

Gene: PLOD1 (procollagen-lysine,2-oxoglutarate 5-dioxygenase 1; plus strand). Cytogenetic location: 1p36.22.
Variant type: single nucleotide variant.
Coding change: c.1071G>A on transcript NM_000302.4 (MANE Select); coding-DNA position 1071, G replaced by A.
Protein change: p.Ala357=; no amino-acid change (alanine 357 retained).
Molecular consequence: synonymous variant.
Genome position (GRCh38, 1-based): chr1:11,960,741, G>A. VCF-style: chr1-11960741-G-A. GRCh37 (hg19) VCF-style: chr1-12020798-G-A.
Other names: c.1212G>A, p.Ala404= (NM_001316320.2).
Identifiers: ClinVar variation 1103974 (VCV001103974.14), dbSNP rs374036329, ClinGen allele CA598253.